The following is an entry in ClinVar:

ClinVar aggregate classification (germline): Conflicting classifications of pathogenicity. Review status: criteria provided, conflicting classifications (1 of 4 stars). 2 submissions from 2 submitters: Uncertain significance (1); Benign (1). Last evaluated 2025-01-09.

Conditions:
Lynch syndrome 5 (LYNCH5). Also called: Colorectal cancer, hereditary nonpolyposis, type 5; Hereditary non-polyposis colorectal cancer, type 5. Identifiers: Orphanet 144, MedGen C1833477, MONDO:0013710, OMIM 614350. Disease mechanism: loss of function.

Submissions (2):

Myriad Genetics, Inc.
Classification: Benign for Lynch syndrome 5. Last evaluated: 2025-01-09. Review status: criteria provided, single submitter. Criteria: Myriad Autosomal Dominant, Autosomal Recessive and X-Linked Classification Criteria (2023). Collection method: clinical testing. Allele origin: unknown.
Comment: This variant is considered benign. This variant is a silent/synonymous amino acid change and it is not expected to impact splicing.

GeneDx
Classification: Uncertain significance. Last evaluated: 2016-12-08. Review status: criteria provided, single submitter. Criteria: GeneDx Variant Classification (06012015). Collection method: clinical testing. Allele origin: germline. Affected: yes.
Comment: This variant is denoted MSH6 c.4083_*1insCTAT and consists of an insertion of four base pairs downstream of the translational stop codon in the 3' untranslated region (3' UTR) of the MSH6 gene. The surrounding sequence, with the bases that are inserted in brackets, is ATAG[insctat]actg, where the capital letters are coding sequence and lowercase are part of the noncoding 3' UTR. This variant has not, to our knowledge, been published in the literature as pathogenic or benign. This variant is not predicted to impact splicing and occurs in a region that is not conserved. Based on currently available evidence, it is unclear whether MSH6 c.4083_*1insCTAT is pathogenic or benign. We consider it to be a variant of uncertain significance.

NM_000179.3(MSH6):c.4083_*1insCTAT

Gene: MSH6 (mutS homolog 6; plus strand). Cytogenetic location: 2p16.3.
Variant type: Insertion.
Coding change: c.4083_*1insCTAT on transcript NM_000179.3 (MANE Select); coding-DNA position 4083 through 1 bases downstream of the stop codon, CTAT inserted.
Molecular consequence: 3 prime UTR variant.
Genome position: GRCh38 VCF-style: chr2-47806860-G-GCTAT. GRCh37 (hg19) VCF-style: chr2-48033999-G-GCTAT.
Other names: c.3693_*1insCTAT (NM_001281492.2); c.3177_*1insCTAT (NM_001281493.2, NM_001281494.2).
Identifiers: ClinVar variation 422862 (VCV000422862.2), dbSNP rs1064796051, ClinGen allele CA16617730.
Genomic context (GRCh38, chr2:47,806,860, plus strand): 5'-AAGGTCAACTGTAGATGCTGAAGCTGTCCATAAATTGCTGACTTTGATTAAGGAATTATA[G>GCTAT]ACTGACTACATTGGAAGCTTTGAGTTGACTTCTGACAAAGGTGGTAAATTCAGACAACAT-3'